The following is an entry in ClinVar:

ClinVar aggregate classification (germline): Likely benign (1 of 4 stars; one submission).

Submission:

CeGaT Center for Human Genetics Tuebingen
Classification: Likely benign. Last evaluated: 2026-08-01. Review status: criteria provided, single submitter. Criteria: CeGaT Center For Human Genetics Tuebingen Variant Classification Criteria Version 2. Collection method: clinical testing. Allele origin: germline. Affected: yes. Observed: 7 variant alleles.
Comment: HLA-DRB5: PM2:Supporting, BP4, BP7

NM_002125.4(HLA-DRB5):c.736_738delinsTTG (p.Leu246=)

Gene: HLA-DRB5 (major histocompatibility complex, class II, DR beta 5; minus strand). Cytogenetic location: 6p21.32.
Variant type: Indel.
Coding change: c.736_738delinsTTG on transcript NM_002125.4 (MANE Select); coding-DNA positions 736 to 738, CTA replaced by TTG.
Protein change: p.Leu246=; no amino-acid change (leucine 246 retained).
Molecular consequence: synonymous variant.
Genome position (GRCh38, 1-based): chr6:32,518,581-32,518,583, TAG replaced by CAA on the plus strand (CTA replaced by TTG on the coding strand, the reverse complement: HLA-DRB5 is on the minus strand). VCF-style: chr6-32518581-TAG-CAA. GRCh37 (hg19) VCF-style: chr6-32486358-TAG-CAA.
Identifiers: ClinVar variation 4874576 (VCV004874576.2).